The following is an entry in ClinVar:

ClinVar aggregate classification (germline): Likely pathogenic (1 of 4 stars; one submission).

Conditions:
FANCA-related disorder. Also called: FANCA-related condition.

Submission:

PreventionGenetics, part of Exact Sciences
Classification: Likely pathogenic for FANCA-related condition. Last evaluated: 2025-01-16. Review status: criteria provided, single submitter. Criteria: ACMG Guidelines, 2015. Collection method: clinical testing. Allele origin: germline.
Comment: The FANCA c.1359+2T>C variant is predicted to disrupt the GT donor site and interfere with normal splicing. To our knowledge, this variant has not been reported in the literature or in a large population database (gnomAD), indicating this variant is rare. Variants that disrupt the consensus splice donor site in FANCA are expected to be pathogenic. This variant is interpreted as likely pathogenic.

NM_000135.4(FANCA):c.1359+2T>C

Gene: FANCA (FA complementation group A; minus strand). Cytogenetic location: 16q24.3.
Variant type: single nucleotide variant.
Coding change: c.1359+2T>C on transcript NM_000135.4 (MANE Select); the canonical splice donor site of the intron after coding-DNA position 1359, T replaced by C.
Molecular consequence: splice donor variant.
Genome position (GRCh38, 1-based): chr16:89,791,401, A>G on the plus strand (T>C on the coding strand, the complement: FANCA is on the minus strand). VCF-style: chr16-89791401-A-G. GRCh37 (hg19) VCF-style: chr16-89857809-A-G.
Other names: c.1359+2T>C (NM_001286167.3).
Identifiers: ClinVar variation 4998995 (VCV004998995.1).
Genomic context (GRCh38, chr16:89,791,401, plus strand): 5'-TCCCCACTCCCAGGCCTTCTGGGAAGATCAGGTATTAGGTAGCCGATTGGCAGGTCACTT[A>G]CCTTGAACCAGTCTGCATATGACAGGAACGCAGAGGGGCCCTCCAGTGCTGCCTGGCGCA-3'